The following is an entry in ClinVar:

NM_006767.4(LZTR1):c.321-18C>G

Gene: LZTR1 (leucine zipper like post translational regulator 1; plus strand). Cytogenetic location: 22q11.21.
Variant type: single nucleotide variant.
Coding change: c.321-18C>G on transcript NM_006767.4 (MANE Select); 18 bases into the intron before coding-DNA position 321, C replaced by G.
Molecular consequence: intron variant.
Genome position (GRCh38, 1-based): chr22:20,987,486, C>G. VCF-style: chr22-20987486-C-G. GRCh37 (hg19) VCF-style: chr22-21341775-C-G.
Identifiers: ClinVar variation 4859402 (VCV004859402.1).

ClinVar aggregate classification (germline): Uncertain significance (1 of 4 stars; one submission).

Conditions:
Cardiovascular phenotype. Identifiers: MedGen CN230736.
Hereditary cancer-predisposing syndrome. Also called: Neoplastic Syndromes, Hereditary; Tumor predisposition; Hereditary Cancer Syndrome; Hereditary neoplastic syndrome. Identifiers: Orphanet 140162, MedGen C0027672, MeSH D009386, MONDO:0015356.

Submission:

Ambry Genetics
Classification: Uncertain significance for Cardiovascular phenotype; Hereditary cancer-predisposing syndrome. Last evaluated: 2026-05-06. Review status: criteria provided, single submitter. Criteria: Ambry Variant Classification Scheme 2023. Collection method: clinical testing. Allele origin: germline.
Comment: The c.321-18C>G intronic variant results from a C to G substitution 18 nucleotides upstream from coding exon 4 in the LZTR1 gene. This nucleotide position is well conserved in available vertebrate species. In silico splice site analysis predicts that this alteration may result in the creation or strengthening of a novel splice acceptor site; however, direct evidence is insufficient at this time (Ambry internal data). Based on the available evidence, the clinical significance of this variant remains unclear.